The following is an entry in ClinVar:

NM_004525.3(LRP2):c.2908+18G>A

Gene: LRP2 (LDL receptor related protein 2; minus strand). Cytogenetic location: 2q31.1.
Variant type: single nucleotide variant.
Coding change: c.2908+18G>A on transcript NM_004525.3 (MANE Select); 18 bases into the intron after coding-DNA position 2908, G replaced by A.
Molecular consequence: intron variant.
Genome position (GRCh38, 1-based): chr2:169,247,360, C>T on the plus strand (G>A on the coding strand, the complement: LRP2 is on the minus strand). VCF-style: chr2-169247360-C-T. GRCh37 (hg19) VCF-style: chr2-170103870-C-T.
Identifiers: ClinVar variation 1165724 (VCV001165724.34), dbSNP rs182125868, ClinGen allele CA1955181.

ClinVar aggregate classification (germline): Benign/Likely benign. Review status: criteria provided, multiple submitters, no conflicts (2 of 4 stars). 4 submissions from 4 submitters: Benign (2); Likely benign (2). Last evaluated 2026-02-01.

Conditions:
Donnai-Barrow syndrome. Also called: DBS/FOAR SYNDROME; FACIOOCULOACOUSTICORENAL SYNDROME. Identifiers: Orphanet 2143, MedGen C1857277, MONDO:0009104, OMIM 222448.

Allele frequency attached by ClinVar (database versions not stated): 1000 Genomes Project 0.00100; 1000 Genomes Project 30x 0.00109; gnomAD 0.00135 and 0.00136; TOPMed 0.00149; ESP Exome Variant Server 0.00154; gnomAD exomes 0.00177; ExAC 0.00204.
gnomAD v4.1: 3,266 of 1,613,600 alleles (0.2%); highest among the groups gnomAD compares: Non-Finnish European, 0.24%; 9 homozygotes.

Submissions (4):

Labcorp Genetics (formerly Invitae), Labcorp
Classification: Benign. Last evaluated: 2026-02-01. Review status: criteria provided, single submitter. Criteria: Invitae Variant Classification Sherloc (09022015). Collection method: clinical testing. Allele origin: germline.

CeGaT Center for Human Genetics Tuebingen
Classification: Likely benign. Last evaluated: 2023-01-01. Review status: criteria provided, single submitter. Criteria: CeGaT Center For Human Genetics Tuebingen Variant Classification Criteria Version 2. Collection method: clinical testing. Allele origin: germline. Affected: yes. Observed: 2 variant alleles.
Comment: LRP2: BS2

Fulgent Genetics
Classification: Likely benign for Donnai-Barrow syndrome. Last evaluated: 2021-07-21. Review status: criteria provided, single submitter. Criteria: ACMG Guidelines, 2015. Collection method: clinical testing. Allele origin: unknown.

Breakthrough Genomics
Classification: Benign. Review status: criteria provided, single submitter. Criteria: ACMG Guidelines, 2015. Collection method: not provided. Allele origin: germline. Inheritance: Autosomal recessive inheritance. Affected: yes.